The following is an entry in ClinVar:

NM_173494.2(DNAAF6):c.140C>A (p.Ser47Tyr)

Gene: DNAAF6 (dynein axonemal assembly factor 6; plus strand). Cytogenetic location: Xq22.3.
Variant type: single nucleotide variant.
Coding change: c.140C>A on transcript NM_173494.2 (MANE Select); coding-DNA position 140, C replaced by A.
Protein change: p.Ser47Tyr; replaces serine 47 with tyrosine.
Molecular consequence: missense variant.
Genome position (GRCh38, 1-based): chrX:107,213,015, C>A. VCF-style: chrX-107213015-C-A. GRCh37 (hg19) VCF-style: chrX-106456245-C-A.
Other names: c.140C>A, p.Ser47Tyr (NM_001169154.2); short protein forms S47Y.
Identifiers: ClinVar variation 2120640 (VCV002120640.4), dbSNP rs2522786520, ClinGen allele CA413887451.

ClinVar aggregate classification (germline): Uncertain significance (1 of 4 stars; one submission).

Submission:

Labcorp Genetics (formerly Invitae), Labcorp
Classification: Uncertain significance. Last evaluated: 2022-04-01. Review status: criteria provided, single submitter. Criteria: Invitae Variant Classification Sherloc (09022015). Collection method: clinical testing. Allele origin: germline.
Comment: In summary, the available evidence is currently insufficient to determine the role of this variant in disease. Therefore, it has been classified as a Variant of Uncertain Significance. Algorithms developed to predict the effect of missense changes on protein structure and function (SIFT, PolyPhen-2, Align-GVGD) all suggest that this variant is likely to be tolerated. This variant has not been reported in the literature in individuals affected with PIH1D3-related conditions. This variant is not present in population databases (gnomAD no frequency). This sequence change replaces serine, which is neutral and polar, with tyrosine, which is neutral and polar, at codon 47 of the PIH1D3 protein (p.Ser47Tyr).